The following is an entry in ClinVar:

NM_014991.6(WDFY3):c.8065G>C (p.Val2689Leu)

Gene: WDFY3 (WD repeat and FYVE domain containing 3; minus strand). Cytogenetic location: 4q21.23.
Variant type: single nucleotide variant.
Coding change: c.8065G>C on transcript NM_014991.6 (MANE Select); coding-DNA position 8065, G replaced by C.
Protein change: p.Val2689Leu; replaces valine 2689 with leucine.
Molecular consequence: missense variant.
Genome position (GRCh38, 1-based): chr4:84,709,325, C>G on the plus strand (G>C on the coding strand, the complement: WDFY3 is on the minus strand). VCF-style: chr4-84709325-C-G. GRCh37 (hg19) VCF-style: chr4-85630478-C-G.
Other names: short protein forms V2689L.
Identifiers: ClinVar variation 3348297 (VCV003348297.3).

ClinVar aggregate classification (germline): Uncertain significance. Review status: criteria provided, multiple submitters, no conflicts (2 of 4 stars). 2 submissions from 2 submitters: Uncertain significance (2). Last evaluated 2025-04-10.

Conditions:
WDFY3-related disorder.

Submissions (2):

GeneDx
Classification: Uncertain significance. Last evaluated: 2025-04-10. Review status: criteria provided, single submitter. Criteria: GeneDx Variant Classification Process June 2021. Collection method: clinical testing. Allele origin: germline. Affected: yes.
Comment: Not observed at significant frequency in large population cohorts (gnomAD); In silico analysis indicates that this missense variant does not alter protein structure/function; Has not been previously published as pathogenic or benign to our knowledge

PreventionGenetics, part of Exact Sciences
Classification: Uncertain significance for WDFY3-related condition. Last evaluated: 2025-02-07. Review status: criteria provided, single submitter. Criteria: ACMG Guidelines, 2015. Collection method: clinical testing. Allele origin: germline.
Comment: The WDFY3 c.8065G>C variant is predicted to result in the amino acid substitution p.Val2689Leu. To our knowledge, this variant has not been reported in the literature or in a large population database (gnomAD), indicating this variant is rare. At this time, the clinical significance of this variant is uncertain due to the absence of conclusive functional and genetic evidence.